The following is an entry in ClinVar:

ClinVar aggregate classification (germline): Uncertain significance (1 of 4 stars; one submission).

Conditions:
UDPglucose-4-epimerase deficiency. Also called: GALACTOSEMIA III; GALE DEFICIENCY; Epimerase Deficiency Galactosemia; UDP-GALACTOSE-4-EPIMERASE DEFICIENCY; Galactose epimerase deficiency; UDPglucose 4-Epimerase Deficiency Disease. Identifiers: Orphanet 352, Orphanet 79238, MedGen C0751161, MONDO:0009257, OMIM 230350.

Allele frequency attached by ClinVar (database versions not stated): ExAC 0.00001; gnomAD 0.00003; TOPMed 0.00003; ESP Exome Variant Server 0.00008; 1000 Genomes Project 30x 0.00016; 1000 Genomes Project 0.00020.
gnomAD v4.1: 22 of 1,614,032 alleles (0.0014%); highest among the groups gnomAD compares: African/African-American, 0.004%; no homozygotes.

Submission:

Labcorp Genetics (formerly Invitae), Labcorp
Classification: Uncertain significance for UDPglucose-4-epimerase deficiency. Last evaluated: 2022-04-12. Review status: criteria provided, single submitter. Criteria: Invitae Variant Classification Sherloc (09022015). Collection method: clinical testing. Allele origin: germline.
Comment: This sequence change affects codon 89 of the GALE mRNA. It is a 'silent' change, meaning that it does not change the encoded amino acid sequence of the GALE protein. This variant is present in population databases (rs369432619, gnomAD 0.004%). This variant has not been reported in the literature in individuals affected with GALE-related conditions. Algorithms developed to predict the effect of sequence changes on RNA splicing suggest that this variant may disrupt the consensus splice site. In summary, the available evidence is currently insufficient to determine the role of this variant in disease. Therefore, it has been classified as a Variant of Uncertain Significance.

NM_001008216.2(GALE):c.267G>A (p.Ala89=)

Gene: GALE (UDP-galactose-4-epimerase; minus strand). Cytogenetic location: 1p36.11.
Variant type: single nucleotide variant.
Coding change: c.267G>A on transcript NM_001008216.2 (MANE Select); coding-DNA position 267, G replaced by A.
Protein change: p.Ala89=; no amino-acid change (alanine 89 retained).
Molecular consequence: synonymous variant.
Genome position (GRCh38, 1-based): chr1:23,798,201, C>T on the plus strand (G>A on the coding strand, the complement: GALE is on the minus strand). VCF-style: chr1-23798201-C-T. GRCh37 (hg19) VCF-style: chr1-24124691-C-T.
Other names: c.267G>A, p.Ala89= (NM_000403.4, NM_001127621.2).
Identifiers: ClinVar variation 2040977 (VCV002040977.1), dbSNP rs369432619, ClinGen allele CA685706.